The following is an entry in ClinVar:

NM_000179.3(MSH6):c.190G>A (p.Ala64Thr)

Gene: MSH6 (mutS homolog 6; plus strand). Cytogenetic location: 2p16.3.
Variant type: single nucleotide variant.
Coding change: c.190G>A on transcript NM_000179.3 (MANE Select); coding-DNA position 190, G replaced by A.
Protein change: p.Ala64Thr; replaces alanine 64 with threonine.
Molecular consequence: missense variant. On other transcripts: 5 prime UTR variant (1).
Genome position (GRCh38, 1-based): chr2:47,783,423, G>A. VCF-style: chr2-47783423-G-A. GRCh37 (hg19) VCF-style: chr2-48010562-G-A.
Other names: c.190G>A, p.Ala64Thr (NM_001281492.2); c.-547G>A (NM_001281493.2); short protein forms A64T.
Identifiers: ClinVar variation 140804 (VCV000140804.19), dbSNP rs587779921, ClinGen allele CA009433.

ClinVar aggregate classification (germline): Conflicting classifications of pathogenicity. Review status: criteria provided, conflicting classifications (1 of 4 stars). 4 submissions from 4 submitters: Uncertain significance (3); Likely benign (1). Last evaluated 2026-08-24.

Conditions:
Hereditary nonpolyposis colorectal neoplasms. Identifiers: MedGen C0009405, MeSH D003123.
Hereditary cancer-predisposing syndrome. Also called: Neoplastic Syndromes, Hereditary; Hereditary Cancer Syndrome; Tumor predisposition; Hereditary neoplastic syndrome. Identifiers: Orphanet 140162, MedGen C0027672, MeSH D009386, MONDO:0015356.
Lynch syndrome. Identifiers: Orphanet 144, MedGen C4552100, MONDO:0005835. Disease mechanism: loss of function.

Allele frequency attached by ClinVar (database versions not stated): gnomAD 0.00001.
gnomAD v4.1: 2 of 1,509,352 alleles (0.00013%); highest among the groups gnomAD compares: South Asian, 0.0013%; no homozygotes.

Submissions (4):

Ambry Genetics
Classification: Likely benign for Hereditary cancer-predisposing syndrome. Last evaluated: 2026-08-24. Review status: criteria provided, single submitter. Criteria: Ambry Variant Classification Scheme 2023. Collection method: clinical testing. Allele origin: germline.

All of Us Research Program, National Institutes of Health
Classification: Uncertain significance for Lynch syndrome. Last evaluated: 2023-12-01. Review status: criteria provided, single submitter. Criteria: ACMG Guidelines, 2015. Collection method: clinical testing. Allele origin: germline. Inheritance: Autosomal dominant inheritance. Observed: 2 variant alleles, 2 heterozygotes.
Comment: This study involves interpretation of variants in research participants for the purpose of population health screening. Participant phenotype was not available at the time of variant classification. Additional details can be found in publication PMID: 35346344, PMCID: PMC8962531

Labcorp Genetics (formerly Invitae), Labcorp
Classification: Uncertain significance for Hereditary nonpolyposis colorectal neoplasms. Last evaluated: 2022-02-04. Review status: criteria provided, single submitter. Criteria: Invitae Variant Classification Sherloc (09022015). Collection method: clinical testing. Allele origin: germline.
Comment: ClinVar contains an entry for this variant (Variation ID: 140804). This sequence change replaces alanine, which is neutral and non-polar, with threonine, which is neutral and polar, at codon 64 of the MSH6 protein (p.Ala64Thr). This variant is not present in population databases (gnomAD no frequency). This variant has not been reported in the literature in individuals affected with MSH6-related conditions. Advanced modeling of protein sequence and biophysical properties (such as structural, functional, and spatial information, amino acid conservation, physicochemical variation, residue mobility, and thermodynamic stability) performed at Invitae indicates that this missense variant is not expected to disrupt MSH6 protein function. In summary, the available evidence is currently insufficient to determine the role of this variant in disease. Therefore, it has been classified as a Variant of Uncertain Significance.

Color Diagnostics, LLC DBA Color Health
Classification: Uncertain significance for Hereditary cancer-predisposing syndrome. Last evaluated: 2019-04-03. Review status: criteria provided, single submitter. Criteria: ACMG Guidelines, 2015. Collection method: clinical testing. Allele origin: germline.

Literature cited by the submitters: PubMed 23621914 (cited by Ambry Genetics).